The following is an entry in ClinVar:

NM_000587.4(C7):c.2202del (p.Ser734fs)

Gene: C7 (complement C7; plus strand). Cytogenetic location: 5p13.1.
Variant type: Deletion.
Coding change: c.2202del on transcript NM_000587.4 (MANE Select); coding-DNA position 2202, one base deleted (C; older notation c.2202delC).
Protein change: p.Ser734fs; shifts the reading frame from serine 734.
Molecular consequence: frameshift variant.
Genome position (GRCh38, 1-based): chr5:40,979,761, C deleted. VCF-style (leftmost placement, unchanged base first): chr5-40979760-GC-G. GRCh37 (hg19) VCF-style: chr5-40979862-GC-G.
Other names: short protein forms S734fs.
Identifiers: ClinVar variation 1452580 (VCV001452580.6), dbSNP rs2111731768, ClinGen allele CA2559346880.

ClinVar aggregate classification (germline): Pathogenic (1 of 4 stars; one submission).

Allele frequency attached by ClinVar (database versions not stated): gnomAD exomes below 0.00001.

Submission:

Labcorp Genetics (formerly Invitae), Labcorp
Classification: Pathogenic. Last evaluated: 2024-10-21. Review status: criteria provided, single submitter. Criteria: Invitae Variant Classification Sherloc (09022015). Collection method: clinical testing. Allele origin: germline.
Comment: This sequence change creates a premature translational stop signal (p.Ser734Argfs*7) in the C7 gene. It is expected to result in an absent or disrupted protein product. Loss-of-function variants in C7 are known to be pathogenic (PMID: 9856499, 17407100). This variant is not present in population databases (gnomAD no frequency). This variant has not been reported in the literature in individuals affected with C7-related conditions. ClinVar contains an entry for this variant (Variation ID: 1452580). For these reasons, this variant has been classified as Pathogenic.

Literature cited by the submitters: PubMed 9856499; PubMed 17407100.